The following is an entry in ClinVar:

ClinVar aggregate classification (germline): Benign/Likely benign. Review status: criteria provided, multiple submitters, no conflicts (2 of 4 stars). 12 submissions from 12 submitters: Benign (1); Likely benign (11). Last evaluated 2026-01-05.

Conditions:
Cardiovascular phenotype. Identifiers: MedGen CN230736.
Cardiomyopathy (CMYO). Also called: Cardiomyopathies. Identifiers: Orphanet 167848, MedGen C0878544, MONDO:0004994, HP:0001638. Inheritance: Various modes of inheritance.
Hypertrophic cardiomyopathy. Also called: HYPERTROPHIC MYOCARDIOPATHY. Identifiers: Orphanet 217569, MedGen C0007194, MeSH D002312, MONDO:0005045, HP:0001639.

Allele frequency attached by ClinVar (database versions not stated): ExAC 0.00003; gnomAD exomes 0.00004; gnomAD 0.00005; TOPMed 0.00007.
gnomAD v4.1: 275 of 1,614,060 alleles (0.017%); highest among the groups gnomAD compares: Non-Finnish European, 0.021%; no homozygotes.

Submissions (12):

Labcorp Genetics (formerly Invitae), Labcorp
Classification: Likely benign for Hypertrophic cardiomyopathy. Last evaluated: 2026-01-05. Review status: criteria provided, single submitter. Criteria: Invitae Variant Classification Sherloc (09022015). Collection method: clinical testing. Allele origin: germline.

Molecular Diagnostic Laboratory for Inherited Cardiovascular Disease, Montreal Heart Institute
Classification: Likely benign. Last evaluated: 2025-04-09. Review status: criteria provided, single submitter. Criteria: ACMG Guidelines, 2015. Collection method: clinical testing. Allele origin: germline. Affected: no.
Comment: BP7

Blueprint Genetics
Classification: Likely benign. Last evaluated: 2024-11-14. Review status: criteria provided, single submitter. Criteria: ACMG Guidelines, 2015. Collection method: clinical testing. Allele origin: germline.

All of Us Research Program, National Institutes of Health
Classification: Likely benign for Cardiomyopathy. Last evaluated: 2024-02-05. Review status: criteria provided, single submitter. Criteria: ACMG Guidelines, 2015. Collection method: clinical testing. Allele origin: germline. Inheritance: Autosomal dominant inheritance. Observed: 20 variant alleles, 20 heterozygotes.
Comment: This study involves interpretation of variants in research participants for the purpose of population health screening. Participant phenotype was not available at the time of variant classification. Additional details can be found in publication PMID: 35346344, PMCID: PMC8962531

CHEO Genetics Diagnostic Laboratory, Children's Hospital of Eastern Ontario
Classification: Likely benign for Cardiomyopathy. Last evaluated: 2021-07-15. Review status: criteria provided, single submitter. Criteria: ACMG Guidelines, 2015. Collection method: clinical testing. Allele origin: germline.

CeGaT Center for Human Genetics Tuebingen
Classification: Likely benign. Last evaluated: 2020-08-01. Review status: criteria provided, single submitter. Criteria: CeGaT Center For Human Genetics Tuebingen Variant Classification Criteria Version 2. Collection method: clinical testing. Allele origin: germline. Affected: yes. Observed: 1 variant allele.

ARUP Laboratories, Molecular Genetics and Genomics, ARUP Laboratories
Classification: Likely benign. Last evaluated: 2019-11-04. Review status: criteria provided, single submitter. Criteria: ARUP Molecular Germline Variant Investigation Process. Collection method: clinical testing. Allele origin: germline.

Color Diagnostics, LLC DBA Color Health
Classification: Likely benign for Cardiomyopathy. Last evaluated: 2018-11-21. Review status: criteria provided, single submitter. Criteria: ACMG Guidelines, 2015. Collection method: clinical testing. Allele origin: germline.

Ambry Genetics
Classification: Likely benign for Cardiovascular phenotype. Last evaluated: 2016-04-26. Review status: criteria provided, single submitter. Criteria: Ambry Variant Classification Scheme 2023. Collection method: clinical testing. Allele origin: germline.

GeneDx
Classification: Benign. Last evaluated: 2015-03-03. Review status: criteria provided, single submitter. Criteria: GeneDx Variant Classification Process June 2021. Collection method: clinical testing. Allele origin: germline. Affected: yes.

Laboratory for Molecular Medicine, Mass General Brigham Personalized Medicine
Classification: Likely benign. Last evaluated: 2009-02-03. Review status: criteria provided, single submitter. Criteria: LMM Criteria. Collection method: clinical testing. Allele origin: germline. Observed: 1 variant allele.

PreventionGenetics, part of Exact Sciences
Classification: Likely benign. Review status: criteria provided, single submitter. Criteria: ACMG Guidelines, 2015. Collection method: clinical testing. Allele origin: germline.

NM_000257.4(MYH7):c.1323G>A (p.Thr441=)

Gene: MYH7 (myosin heavy chain 7; minus strand). Cytogenetic location: 14q11.2.
Variant type: single nucleotide variant.
Coding change: c.1323G>A on transcript NM_000257.4 (MANE Select); coding-DNA position 1323, G replaced by A.
Protein change: p.Thr441=; no amino-acid change (threonine 441 retained).
Molecular consequence: synonymous variant.
Genome position (GRCh38, 1-based): chr14:23,429,039, C>T on the plus strand (G>A on the coding strand, the complement: MYH7 is on the minus strand). VCF-style: chr14-23429039-C-T. GRCh37 (hg19) VCF-style: chr14-23898248-C-T.
Identifiers: ClinVar variation 42833 (VCV000042833.73), dbSNP rs397516096, ClinGen allele CA010552.